The following is an entry in ClinVar:

ClinVar aggregate classification (germline): Uncertain significance. Review status: criteria provided, multiple submitters, no conflicts (2 of 4 stars). 2 submissions from 2 submitters: Uncertain significance (2). Last evaluated 2025-03-07.

Conditions:
Hereditary cancer-predisposing syndrome. Also called: Tumor predisposition; Hereditary neoplastic syndrome; Neoplastic Syndromes, Hereditary; Hereditary Cancer Syndrome. Identifiers: Orphanet 140162, MedGen C0027672, MeSH D009386, MONDO:0015356.
Medulloblastoma (MDB). Also called: MEDULLOBLASTOMA PREDISPOSITION SYNDROME; Medulloblastoma, somatic. Identifiers: Orphanet 616, MedGen C0025149, MeSH D008527, MONDO:0007959, OMIM 155255, HP:0002885.
Gorlin syndrome. Also called: Nevoid Basal Cell Carcinoma Syndrome; Basal cell nevus syndrome. Identifiers: Orphanet 377, MedGen C0004779, MONDO:0007187.

gnomAD v4.1: 1 of 1,614,238 alleles (0.000062%); highest among the groups gnomAD compares: Admixed American, 0.0017%; no homozygotes.

Submissions (2):

Labcorp Genetics (formerly Invitae), Labcorp
Classification: Uncertain significance for Gorlin syndrome; Medulloblastoma. Last evaluated: 2025-03-07. Review status: criteria provided, single submitter. Criteria: Invitae Variant Classification Sherloc (09022015). Collection method: clinical testing. Allele origin: germline.
Comment: This sequence change replaces alanine, which is neutral and non-polar, with aspartic acid, which is acidic and polar, at codon 416 of the SUFU protein (p.Ala416Asp). This variant is not present in population databases (gnomAD no frequency). This variant has not been reported in the literature in individuals affected with SUFU-related conditions. ClinVar contains an entry for this variant (Variation ID: 933656). Invitae Evidence Modeling of protein sequence and biophysical properties (such as structural, functional, and spatial information, amino acid conservation, physicochemical variation, residue mobility, and thermodynamic stability) indicates that this missense variant is not expected to disrupt SUFU protein function with a negative predictive value of 80%. In summary, the available evidence is currently insufficient to determine the role of this variant in disease. Therefore, it has been classified as a Variant of Uncertain Significance.

Ambry Genetics
Classification: Uncertain significance for Hereditary cancer-predisposing syndrome. Last evaluated: 2024-11-10. Review status: criteria provided, single submitter. Criteria: Ambry Variant Classification Scheme 2023. Collection method: clinical testing. Allele origin: germline.
Comment: The p.A416D variant (also known as c.1247C>A), located in coding exon 10 of the SUFU gene, results from a C to A substitution at nucleotide position 1247. The alanine at codon 416 is replaced by aspartic acid, an amino acid with dissimilar properties. This amino acid position is conserved. In addition, this alteration is predicted to be deleterious by in silico analysis. Based on the available evidence, the clinical significance of this variant remains unclear.

NM_016169.4(SUFU):c.1247C>A (p.Ala416Asp)

Gene: SUFU (SUFU negative regulator of hedgehog signaling; plus strand). Cytogenetic location: 10q24.32.
Variant type: single nucleotide variant.
Coding change: c.1247C>A on transcript NM_016169.4 (MANE Select); coding-DNA position 1247, C replaced by A.
Protein change: p.Ala416Asp; replaces alanine 416 with aspartic acid.
Molecular consequence: missense variant.
Genome position (GRCh38, 1-based): chr10:102,617,379, C>A. VCF-style: chr10-102617379-C-A. GRCh37 (hg19) VCF-style: chr10-104377136-C-A.
Other names: c.1247C>A, p.Ala416Asp (NM_001178133.2); short protein forms A416D.
Identifiers: ClinVar variation 933656 (VCV000933656.11), dbSNP rs2063698018, ClinGen allele CA377916588.